The following is an entry in ClinVar:

NM_005732.4(RAD50):c.596A>G (p.Gln199Arg)

Gene: RAD50 (RAD50 double strand break repair protein; plus strand). Cytogenetic location: 5q31.1.
Variant type: single nucleotide variant.
Coding change: c.596A>G on transcript NM_005732.4 (MANE Select); coding-DNA position 596, A replaced by G.
Protein change: p.Gln199Arg; replaces glutamine 199 with arginine.
Molecular consequence: missense variant.
Genome position (GRCh38, 1-based): chr5:132,579,906, A>G. VCF-style: chr5-132579906-A-G. GRCh37 (hg19) VCF-style: chr5-131915598-A-G.
Other names: short protein forms Q199R.
Identifiers: ClinVar variation 1467712 (VCV001467712.10), dbSNP rs1750473916, ClinGen allele CA360935734.

ClinVar aggregate classification (germline): Uncertain significance. Review status: criteria provided, multiple submitters, no conflicts (2 of 4 stars). 2 submissions from 2 submitters: Uncertain significance (2). Last evaluated 2022-02-08.

Conditions:
Hereditary cancer-predisposing syndrome. Also called: Tumor predisposition; Hereditary Cancer Syndrome; Hereditary neoplastic syndrome; Neoplastic Syndromes, Hereditary. Identifiers: Orphanet 140162, MedGen C0027672, MeSH D009386, MONDO:0015356.

Submissions (2):

Labcorp Genetics (formerly Invitae), Labcorp
Classification: Uncertain significance for Hereditary cancer-predisposing syndrome. Last evaluated: 2022-02-08. Review status: criteria provided, single submitter. Criteria: Invitae Variant Classification Sherloc (09022015). Collection method: clinical testing. Allele origin: germline.
Comment: In summary, the available evidence is currently insufficient to determine the role of this variant in disease. Therefore, it has been classified as a Variant of Uncertain Significance. Algorithms developed to predict the effect of missense changes on protein structure and function are either unavailable or do not agree on the potential impact of this missense change (SIFT: "Tolerated"; PolyPhen-2: "Probably Damaging"; Align-GVGD: "Class C0"). This variant has not been reported in the literature in individuals affected with RAD50-related conditions. This variant is not present in population databases (gnomAD no frequency). This sequence change replaces glutamine, which is neutral and polar, with arginine, which is basic and polar, at codon 199 of the RAD50 protein (p.Gln199Arg).

Ambry Genetics
Classification: Uncertain significance for Hereditary cancer-predisposing syndrome. Last evaluated: 2021-09-16. Review status: criteria provided, single submitter. Criteria: Ambry Variant Classification Scheme 2023. Collection method: clinical testing. Allele origin: germline.
Comment: The p.Q199R variant (also known as c.596A>G), located in coding exon 5 of the RAD50 gene, results from an A to G substitution at nucleotide position 596. The glutamine at codon 199 is replaced by arginine, an amino acid with highly similar properties. This amino acid position is conserved. In addition, the in silico prediction for this alteration is inconclusive. Since supporting evidence is limited at this time, the clinical significance of this alteration remains unclear.